The following is an entry in ClinVar:

NM_178170.3(NEK8):c.1237A>C (p.Met413Leu)

Gene: NEK8 (NIMA related kinase 8; plus strand). Cytogenetic location: 17q11.2.
Variant type: single nucleotide variant.
Coding change: c.1237A>C on transcript NM_178170.3 (MANE Select); coding-DNA position 1237, A replaced by C.
Protein change: p.Met413Leu; replaces methionine 413 with leucine.
Molecular consequence: missense variant.
Genome position (GRCh38, 1-based): chr17:28,738,685, A>C. VCF-style: chr17-28738685-A-C. GRCh37 (hg19) VCF-style: chr17-27065703-A-C.
Other names: short protein forms M413L.
Identifiers: ClinVar variation 539144 (VCV000539144.17), dbSNP rs141650477, ClinGen allele CA8467364.

ClinVar aggregate classification (germline): Conflicting classifications of pathogenicity. Review status: criteria provided, conflicting classifications (1 of 4 stars). 4 submissions from 4 submitters: Uncertain significance (1); Likely benign (2). 1 of the submissions does not count toward it. Last evaluated 2025-10-22.

Conditions:
Nephronophthisis 9 (NPHP9). Identifiers: Orphanet 655, MedGen C3151188, MONDO:0013444, OMIM 613824.
Kidney disorder. Also called: Kidney disease; Kidney Diseases; renal disorder; renal disease; Nephropathy. Identifiers: MedGen C0022658, MONDO:0005240, HP:0000112.
NEK8-related disorder. Also called: NEK8-related condition.

Allele frequency attached by ClinVar (database versions not stated): gnomAD exomes 0.00017 and 0.00049; ExAC 0.00057; gnomAD 0.00172; TOPMed 0.00207; ESP Exome Variant Server 0.00246; 1000 Genomes Project 0.00300; 1000 Genomes Project 30x 0.00328.
gnomAD v4.1: 523 of 1,614,084 alleles (0.032%); highest among the groups gnomAD compares: African/African-American, 0.65%; 3 homozygotes.

Submissions (4):

Labcorp Genetics (formerly Invitae), Labcorp
Classification: Likely benign for Nephronophthisis 9. Last evaluated: 2025-10-22. Review status: criteria provided, single submitter. Criteria: Invitae Variant Classification Sherloc (09022015). Collection method: clinical testing. Allele origin: germline.

Genome Diagnostics Laboratory, The Hospital for Sick Children
Classification: Uncertain significance for Kidney disorder. Last evaluated: 2016-12-12. Review status: criteria provided, single submitter. Criteria: ACMG Guidelines, 2015. Collection method: clinical testing. Allele origin: germline.

Breakthrough Genomics
Classification: Likely benign. Review status: criteria provided, single submitter. Criteria: ACMG Guidelines, 2015. Collection method: not provided. Allele origin: germline. Inheritance: Autosomal recessive inheritance. Affected: yes.

PreventionGenetics, part of Exact Sciences
Classification: Likely benign for NEK8-related condition. Last evaluated: 2023-01-07. Review status: no assertion criteria provided. Collection method: clinical testing. Allele origin: germline. Not counted in ClinVar's aggregate classification.
Comment: This variant is classified as likely benign based on ACMG/AMP sequence variant interpretation guidelines (Richards et al. 2015 PMID: 25741868, with internal and published modifications).